The following is an entry in ClinVar:

NM_000277.3(PAH):c.838G>C (p.Glu280Gln)

Gene: PAH (phenylalanine hydroxylase; minus strand). Cytogenetic location: 12q23.2.
Variant type: single nucleotide variant.
Coding change: c.838G>C on transcript NM_000277.3 (MANE Select); coding-DNA position 838, G replaced by C.
Protein change: p.Glu280Gln; replaces glutamic acid 280 with glutamine.
Molecular consequence: missense variant.
Genome position (GRCh38, 1-based): chr12:102,852,819, C>G on the plus strand (G>C on the coding strand, the complement: PAH is on the minus strand). VCF-style: chr12-102852819-C-G. GRCh37 (hg19) VCF-style: chr12-103246597-C-G.
Other names: c.838G>C, p.Glu280Gln (NM_001354304.2); short protein forms E280Q.
Identifiers: ClinVar variation 102864 (VCV000102864.7), dbSNP rs62508698, ClinGen allele CA229805.
Genomic context (GRCh38, chr12:102,852,819, plus strand): 5'-AGGAAAAGATGGCGCTCATTGTGCCTGGCAACTGGTAGCTGGAGGACAGTACTCACGGTT[C>G]GGGGGTATACATGGGCTTGGATCCATGTCTGATGTACTGTGTGCAGTGGAAGACTCGGAA-3'
Protein context (NP_000268.1, residues 270-290): RHGSKPMYTP[Glu280Gln]PDICHELLGH

ClinVar aggregate classification (germline): Conflicting classifications of pathogenicity. Review status: criteria provided, conflicting classifications (1 of 4 stars). 3 submissions from 3 submitters: Likely pathogenic (1); Uncertain significance (1). 1 of the submissions does not count toward it. Last evaluated 2026-04-01.

Conditions:
Phenylketonuria (PKU). Also called: Phenylketonuria (PKU); FOLLING DISEASE; OLIGOPHRENIA PHENYLPYRUVICA; Phenylketonurias. Identifiers: Orphanet 716, MedGen C0031485, MONDO:0009861, OMIM 261600. Disease mechanism: loss of function.

gnomAD v4.1: 14 of 1,613,970 alleles (0.00087%); highest among the groups gnomAD compares: Non-Finnish European, 0.0012%; no homozygotes.

Submissions (3):

Myriad Genetics, Inc.
Classification: Uncertain significance for Phenylketonuria. Last evaluated: 2026-04-01. Review status: criteria provided, single submitter. Criteria: Myriad Autosomal Dominant, Autosomal Recessive and X-Linked Classification Criteria (2023). Collection method: clinical testing. Allele origin: unknown.
Comment: NM_000277.1(PAH):c.838G>C(E280Q) is a missense variant classified as a variant of uncertain significance in the context of phenylalanine hydroxylase deficiency. E280Q has been observed in cases with relevant disease (PMID: 32668217, 31923802). Relevant functional assessments of this variant are not available in the literature. E280Q has been observed in referenced population frequency databases. In summary, there is insufficient evidence to classify NM_000277.1(PAH):c.838G>C(E280Q) as pathogenic or benign. Please note: this variant was assessed in the context of healthy population screening.

Labcorp Genetics (formerly Invitae), Labcorp
Classification: Likely pathogenic for Phenylketonuria. Last evaluated: 2024-05-07. Review status: criteria provided, single submitter. Criteria: Invitae Variant Classification Sherloc (09022015). Collection method: clinical testing. Allele origin: germline.
Comment: This sequence change replaces glutamic acid, which is acidic and polar, with glutamine, which is neutral and polar, at codon 280 of the PAH protein (p.Glu280Gln). This variant is present in population databases (rs62508698, gnomAD 0.0009%). This missense change has been observed in individual(s) with phenylketonuria (PMID: 32668217; Invitae). ClinVar contains an entry for this variant (Variation ID: 102864). Advanced modeling of protein sequence and biophysical properties (such as structural, functional, and spatial information, amino acid conservation, physicochemical variation, residue mobility, and thermodynamic stability) performed at Invitae indicates that this missense variant is expected to disrupt PAH protein function with a positive predictive value of 80%. This variant disrupts the p.Glu280 amino acid residue in PAH. Other variant(s) that disrupt this residue have been determined to be pathogenic (PMID: 2014036, 2564729, 12655546, 17935162, 23500595). This suggests that this residue is clinically significant, and that variants that disrupt this residue are likely to be disease-causing. In summary, the currently available evidence indicates that the variant is pathogenic, but additional data are needed to prove that conclusively. Therefore, this variant has been classified as Likely Pathogenic.

DeBelle Laboratory for Biochemical Genetics, MUHC/MCH RESEARCH INSTITUTE
No classification provided. Review status: no classification provided. Collection method: not provided. Allele origin: not provided. Not counted in ClinVar's aggregate classification.

Literature cited by the submitters: PubMed 31923802 (cited by Myriad Genetics, Inc.); PubMed 32668217 (cited by Myriad Genetics, Inc. and Labcorp Genetics (formerly Invitae), Labcorp); PubMed 2014036 (cited by Labcorp Genetics (formerly Invitae), Labcorp); PubMed 2564729 (cited by Labcorp Genetics (formerly Invitae), Labcorp); PubMed 12655546 (cited by Labcorp Genetics (formerly Invitae), Labcorp); PubMed 17935162 (cited by Labcorp Genetics (formerly Invitae), Labcorp); PubMed 23500595 (cited by Labcorp Genetics (formerly Invitae), Labcorp).